The following is an entry in ClinVar:

NC_000010.10:g.(?_90982258)_(90988165_?)del

Gene: LIPA (lipase A, lysosomal acid type; minus strand). Cytogenetic location: 10q23.31.
Variant type: Deletion.
Identifiers: ClinVar variation 1458797 (VCV001458797.7).

ClinVar aggregate classification (germline): Pathogenic (1 of 4 stars; one submission).

Conditions:
Wolman disease (WOLD). Also called: Wolman disease with hypolipoproteinemia and acanthocytosis; Acid cholesteryl ester hydrolase deficiency, Wolman type; Acid lipase disease; LYSOSOMAL ACID LIPASE DEFICIENCY, ACUTE INFANTILE; LYSOSOMAL ACID LIPASE DEFICIENCY, COMPLETE; LIPA DEFICIENCY, COMPLETE. Identifiers: Orphanet 75233, MedGen C0043208, MONDO:0019148, OMIM 620151.

Submission:

Labcorp Genetics (formerly Invitae), Labcorp
Classification: Pathogenic for Wolman disease. Last evaluated: 2021-08-27. Review status: criteria provided, single submitter. Criteria: Invitae Variant Classification Sherloc (09022015). Collection method: clinical testing. Allele origin: germline.
Comment: For these reasons, this variant has been classified as Pathogenic. This variant has not been reported in the literature in individuals affected with LIPA-related conditions. This variant is a gross deletion of the genomic region encompassing exon(s) 4-8 of the LIPA gene. This deletion is out-of-frame, and is expected to create a premature termination codon and result in an absent or disrupted protein product. Loss-of-function variants in LIPA are known to be pathogenic (PMID: 23485521).

Literature cited by the submitters: PubMed 23485521.